The following is an entry in ClinVar:

ClinVar aggregate classification (germline): Likely benign (1 of 4 stars; one submission).

Conditions:
SOX1-related disorder. Also called: SOX1-related condition.

Submission:

PreventionGenetics, part of Exact Sciences
Classification: Likely benign for SOX1-related condition. Last evaluated: 2026-04-27. Review status: criteria provided, single submitter. Criteria: ACMG Guidelines, 2015. Collection method: clinical testing. Allele origin: germline.
Comment: This variant is classified as likely benign based on ACMG/AMP sequence variant interpretation guidelines (Richards et al. 2015 PMID: 25741868, with internal and published modifications).

NM_005986.3(SOX1):c.858_863del (p.Ala287_Ala288del)

Genes: SOX1 (SRY-box transcription factor 1; plus strand), SOX1-OT (SOX1 overlapping transcript; plus strand). Cytogenetic location: 13q34.
Variant type: Deletion.
Coding change: c.858_863del on transcript NM_005986.3 (MANE Select); coding-DNA positions 858 to 863, 6 bases deleted (CGCTGC; older notation c.858_863delCGCTGC).
Protein change: p.Ala287_Ala288del.
Molecular consequence: inframe deletion.
Genome position (GRCh38, 1-based): chr13:112,068,516-112,068,521, CGCTGC deleted; deleting any 6 consecutive bases within chr13:112,068,514-112,068,521 gives the same sequence; the c. name uses the placement nearest the transcript's 3' end. VCF-style (leftmost placement, unchanged base first): chr13-112068513-CGCCGCT-C. GRCh37 (hg19) VCF-style: chr13-112722827-CGCCGCT-C.
Identifiers: ClinVar variation 4980029 (VCV004980029.1).